The following is an entry in ClinVar:

ClinVar aggregate classification (germline): Likely benign. Review status: criteria provided, multiple submitters, no conflicts (2 of 4 stars). 2 submissions from 2 submitters: Likely benign (2). Last evaluated 2025-11-18.

Conditions:
ABCC2-related disorder. Also called: ABCC2-related condition.

Allele frequency attached by ClinVar (database versions not stated): ESP Exome Variant Server 0.00008; TOPMed 0.00008; ExAC 0.00009; gnomAD 0.00009; 1000 Genomes Project 0.00020; 1000 Genomes Project 30x 0.00031.
gnomAD v4.1: 205 of 1,613,920 alleles (0.013%); highest among the groups gnomAD compares: Non-Finnish European, 0.016%; no homozygotes.

Submissions (2):

PreventionGenetics, part of Exact Sciences
Classification: Likely benign for ABCC2-related condition. Last evaluated: 2025-11-18. Review status: criteria provided, single submitter. Criteria: ACMG Guidelines, 2015. Collection method: clinical testing. Allele origin: germline.
Comment: This variant is classified as likely benign based on ACMG/AMP sequence variant interpretation guidelines (Richards et al. 2015 PMID: 25741868, with internal and published modifications).

Labcorp Genetics (formerly Invitae), Labcorp
Classification: Likely benign. Last evaluated: 2024-03-30. Review status: criteria provided, single submitter. Criteria: Invitae Variant Classification Sherloc (09022015). Collection method: clinical testing. Allele origin: germline.

NM_000392.5(ABCC2):c.817C>T (p.Leu273=)

Gene: ABCC2 (ATP binding cassette subfamily C member 2; plus strand). Cytogenetic location: 10q24.2.
Variant type: single nucleotide variant.
Coding change: c.817C>T on transcript NM_000392.5 (MANE Select); coding-DNA position 817, C replaced by T.
Protein change: p.Leu273=; no amino-acid change (leucine 273 retained).
Molecular consequence: synonymous variant.
Genome position (GRCh38, 1-based): chr10:99,797,281, C>T. VCF-style: chr10-99797281-C-T. GRCh37 (hg19) VCF-style: chr10-101557038-C-T.
Other names: c.817C>T (NM_000392.4).
Identifiers: ClinVar variation 2174503 (VCV002174503.5), dbSNP rs368116041, ClinGen allele CA5643000.